The following is an entry in ClinVar:

ClinVar aggregate classification (germline): Benign/Likely benign. Review status: criteria provided, multiple submitters, no conflicts (2 of 4 stars). 5 submissions from 5 submitters: Benign (1); Likely benign (3). 1 of the submissions does not count toward it. Last evaluated 2026-01-05.

Conditions:
CLCN4-related disorder. Identifiers: MedGen CN232948.
Intellectual disability, X-linked 49 (MRXSRC). Also called: CLCN4-Related Neurodevelopmental Disorder; MENTAL RETARDATION, X-LINKED 15; CLCN4-related X-linked intellectual disability syndrome; RAYNAUD-CLAES SYNDROME; MRX49. Identifiers: Orphanet 485350, Orphanet 777, MedGen C0796221, MONDO:0010250, OMIM 300114.

Allele frequency attached by ClinVar (database versions not stated): 1000 Genomes Project 0.00053; gnomAD exomes 0.00059; TOPMed 0.00062; ESP Exome Variant Server 0.00066; ExAC 0.00070; gnomAD 0.00081 and 0.00083; 1000 Genomes Project 30x 0.00104.
gnomAD v4.1: 1,191 of 1,209,458 alleles (0.098%); highest among the groups gnomAD compares: Non-Finnish European, 0.13%; no homozygotes.

Submissions (5):

Labcorp Genetics (formerly Invitae), Labcorp
Classification: Likely benign. Last evaluated: 2026-01-05. Review status: criteria provided, single submitter. Criteria: Invitae Variant Classification Sherloc (09022015). Collection method: clinical testing. Allele origin: germline.

Blueprint Genetics
Classification: Likely benign. Last evaluated: 2024-10-30. Review status: criteria provided, single submitter. Criteria: ACMG Guidelines, 2015. Collection method: clinical testing. Allele origin: germline.

Fulgent Genetics
Classification: Likely benign for Intellectual disability, X-linked 49. Last evaluated: 2021-12-22. Review status: criteria provided, single submitter. Criteria: ACMG Guidelines, 2015. Collection method: clinical testing. Allele origin: unknown.

GeneDx
Classification: Benign. Last evaluated: 2019-09-27. Review status: criteria provided, single submitter. Criteria: GeneDx Variant Classification Process June 2021. Collection method: clinical testing. Allele origin: germline. Affected: yes.

PreventionGenetics, part of Exact Sciences
Classification: Likely benign for CLCN4-related condition. Last evaluated: 2022-02-21. Review status: no assertion criteria provided. Collection method: clinical testing. Allele origin: germline. Not counted in ClinVar's aggregate classification.
Comment: This variant is classified as likely benign based on ACMG/AMP sequence variant interpretation guidelines (Richards et al. 2015 PMID: 25741868, with internal and published modifications).

NM_001830.4(CLCN4):c.2030C>T (p.Thr677Met)

Gene: CLCN4 (Cl-/H+ antiporter 4; plus strand). Cytogenetic location: Xp22.2.
Variant type: single nucleotide variant.
Coding change: c.2030C>T on transcript NM_001830.4 (MANE Select); coding-DNA position 2030, C replaced by T.
Protein change: p.Thr677Met; replaces threonine 677 with methionine.
Molecular consequence: missense variant.
Genome position (GRCh38, 1-based): chrX:10,220,715, C>T. VCF-style: chrX-10220715-C-T. GRCh37 (hg19) VCF-style: chrX-10188755-C-T.
Other names: c.1748C>T, p.Thr583Met (NM_001256944.2); short protein forms T677M, T583M.
Identifiers: ClinVar variation 696562 (VCV000696562.16), dbSNP rs41297324, ClinGen allele CA10347331.
Genomic context (GRCh38, chrX:10,220,715, plus strand): 5'-TTCTAGAGAACGCCAGACAGAGGCAGGAGGGCATTGTGAGCAATTCCATCATGTACTTCA[C>T]GGAGGAACCCCCCGAGCTGCCGGCCAACAGCCCACATCCCCTGAAGCTGCGGCGCATCCT-3'
Protein context (NP_001821.2, residues 667-687): GIVSNSIMYF[Thr677Met]EEPPELPANS